The following is an entry in ClinVar:

NM_000059.4(BRCA2):c.7632del (p.Val2545fs)

Gene: BRCA2 (BRCA2 DNA repair associated; plus strand). Cytogenetic location: 13q13.1.
Variant type: Deletion.
Coding change: c.7632del on transcript NM_000059.4 (MANE Select); coding-DNA position 7632, one base deleted (C; older notation c.7632delC).
Protein change: p.Val2545fs; shifts the reading frame from valine 2545.
Molecular consequence: frameshift variant. On other transcripts: non-coding transcript variant (1).
Genome position (GRCh38, 1-based): chr13:32,357,756, C deleted. VCF-style (leftmost placement, unchanged base first): chr13-32357755-GC-G. GRCh37 (hg19) VCF-style: chr13-32931892-GC-G.
Other names: c.7536del, p.Val2513fs (NM_001406719.1); c.7632del, p.Val2545fs (NM_001406720.1); c.2700del, p.Val901fs (NM_001406721.1); c.1215del, p.Val406fs (NM_001406722.1); short protein forms V2513fs, V2545fs, V406fs, V901fs.
Identifiers: ClinVar variation 2573320 (VCV002573320.1), dbSNP rs2548542445, ClinGen allele CA2580614683.

ClinVar aggregate classification (germline): Pathogenic (1 of 4 stars; one submission).

Conditions:
Breast-ovarian cancer, familial, susceptibility to, 2 (BROVCA2). Also called: BRCA2 Hereditary Breast and Ovarian Cancer. Identifiers: Orphanet 145, MedGen C2675520, MONDO:0012933, OMIM 612555. Disease mechanism: loss of function.

Submission:

Myriad Genetics, Inc.
Classification: Pathogenic for Breast-ovarian cancer, familial, susceptibility to, 2. Last evaluated: 2023-02-13. Review status: criteria provided, single submitter. Criteria: Myriad Autosomal Dominant, Autosomal Recessive and X-Linked Classification Criteria (2023). Collection method: clinical testing. Allele origin: unknown.
Comment: This variant is considered pathogenic. This variant creates a frameshift predicted to result in premature protein truncation.